The following is an entry in ClinVar:

NM_152383.5(DIS3L2):c.2015C>G (p.Ala672Gly)

Gene: DIS3L2 (DIS3 like 3'-5' exoribonuclease 2; plus strand). Cytogenetic location: 2q37.1.
Variant type: single nucleotide variant.
Coding change: c.2015C>G on transcript NM_152383.5 (MANE Select); coding-DNA position 2015, C replaced by G.
Protein change: p.Ala672Gly; replaces alanine 672 with glycine.
Molecular consequence: missense variant. On other transcripts: non-coding transcript variant (2), intron variant (1).
Genome position (GRCh38, 1-based): chr2:232,333,844, C>G. VCF-style: chr2-232333844-C-G. GRCh37 (hg19) VCF-style: chr2-233198554-C-G.
Other names: c.1582-9501C>G (NM_001257281.2); short protein forms A672G.
Identifiers: ClinVar variation 1714601 (VCV001714601.5), dbSNP rs2469446264, ClinGen allele CA350977301.

ClinVar aggregate classification (germline): Uncertain significance (1 of 4 stars; one submission).

Conditions:
Perlman syndrome (PRLMNS). Identifiers: Orphanet 2849, MedGen C0796113, MONDO:0009965, OMIM 267000.

Submission:

Labcorp Genetics (formerly Invitae), Labcorp
Classification: Uncertain significance for Perlman syndrome. Last evaluated: 2022-08-03. Review status: criteria provided, single submitter. Criteria: Invitae Variant Classification Sherloc (09022015). Collection method: clinical testing. Allele origin: germline.
Comment: In summary, the available evidence is currently insufficient to determine the role of this variant in disease. Therefore, it has been classified as a Variant of Uncertain Significance. Algorithms developed to predict the effect of missense changes on protein structure and function (SIFT, PolyPhen-2, Align-GVGD) all suggest that this variant is likely to be disruptive. This variant has not been reported in the literature in individuals affected with DIS3L2-related conditions. This variant is not present in population databases (gnomAD no frequency). This sequence change replaces alanine, which is neutral and non-polar, with glycine, which is neutral and non-polar, at codon 672 of the DIS3L2 protein (p.Ala672Gly).